The following is an entry in ClinVar:

NM_005097.4(LGI1):c.741T>C (p.Asp247=)

Gene: LGI1 (leucine rich glioma inactivated 1; plus strand). Cytogenetic location: 10q23.33.
Variant type: single nucleotide variant.
Coding change: c.741T>C on transcript NM_005097.4 (MANE Select); coding-DNA position 741, T replaced by C.
Protein change: p.Asp247=; no amino-acid change (aspartic acid 247 retained).
Molecular consequence: synonymous variant. On other transcripts: non-coding transcript variant (1).
Genome position (GRCh38, 1-based): chr10:93,793,253, T>C. VCF-style: chr10-93793253-T-C. GRCh37 (hg19) VCF-style: chr10-95553010-T-C.
Other names: c.741T>C, p.Asp247= (NM_001308275.2); c.597T>C, p.Asp199= (NM_001308276.2).
Identifiers: ClinVar variation 1758850 (VCV001758850.30), dbSNP rs748315756, ClinGen allele CA5611174.
Genomic context (GRCh38, chr10:93,793,253, plus strand): 5'-AAAGTCTCAAGACCTGCCTTATCAATCATTGTCCATAGACACTTTTTCTTATTTGAATGA[T>C]GAGTATGTAGTCATCGCTCAGCCTTTTACTGGAAAATGCATTTTCCTTGAATGGGACCAT-3'
Protein context (NP_005088.1, residues 237-257): LSIDTFSYLN[Asp247=]EYVVIAQPFT

ClinVar aggregate classification (germline): Likely benign. Review status: criteria provided, multiple submitters, no conflicts (2 of 4 stars). 4 submissions from 4 submitters: Likely benign (4). Last evaluated 2024-10-25.

Conditions:
Autosomal dominant epilepsy with auditory features. Identifiers: Orphanet 101046, MedGen C1838062, MONDO:0010898.
Inborn genetic diseases. Identifiers: MedGen C0950123, MeSH D030342.

Allele frequency attached by ClinVar (database versions not stated): TOPMed 0.00003; gnomAD exomes 0.00004; gnomAD 0.00006; ExAC 0.00007.
gnomAD v4.1: 71 of 1,613,018 alleles (0.0044%); highest among the groups gnomAD compares: Non-Finnish European, 0.002%; no homozygotes.

Submissions (4):

Blueprint Genetics
Classification: Likely benign. Last evaluated: 2024-10-25. Review status: criteria provided, single submitter. Criteria: ACMG Guidelines, 2015. Collection method: clinical testing. Allele origin: germline.

Labcorp Genetics (formerly Invitae), Labcorp
Classification: Likely benign for Autosomal dominant epilepsy with auditory features. Last evaluated: 2024-10-25. Review status: criteria provided, single submitter. Criteria: Invitae Variant Classification Sherloc (09022015). Collection method: clinical testing. Allele origin: germline.

CeGaT Center for Human Genetics Tuebingen
Classification: Likely benign. Last evaluated: 2022-05-01. Review status: criteria provided, single submitter. Criteria: CeGaT Center For Human Genetics Tuebingen Variant Classification Criteria Version 2. Collection method: clinical testing. Allele origin: germline. Affected: yes. Observed: 1 variant allele.
Comment: LGI1: BP4, BP7

Ambry Genetics
Classification: Likely benign for Inborn genetic diseases. Last evaluated: 2017-10-12. Review status: criteria provided, single submitter. Criteria: Ambry Variant Classification Scheme 2023. Collection method: clinical testing. Allele origin: germline.